The following is an entry in ClinVar:

ClinVar aggregate classification (germline): Uncertain significance (1 of 4 stars; one submission).

Conditions:
Autosomal dominant popliteal pterygium syndrome. Also called: CLEFT LIP/PALATE, PARAMEDIAN MUCOUS CYSTS OF THE LOWER LIP, POPLITEAL PTERYGIUM, DIGITAL AND GENITAL ANOMALIES; FACIOGENITOPOPLITEAL SYNDROME; Popliteal Pterygium Syndrome (PPS). Identifiers: Orphanet 1300, MedGen C5848052, MONDO:0007334, OMIM 119500.
Orofacial cleft 6, susceptibility to (OFC6). Also called: CLEFT LIP WITH OR WITHOUT CLEFT PALATE, NONSYNDROMIC, 6. Identifiers: MedGen C1837213, MONDO:0012141, OMIM 608864.
Van der Woude syndrome 1. Also called: CLEFT LIP AND/OR PALATE WITH MUCOUS CYSTS OF LOWER LIP; van der Woude Syndrome (VWS). Identifiers: MedGen C4551864, MONDO:0007333, OMIM 119300.

Submission:

Juno Genomics, Hangzhou Juno Genomics, Inc
Classification: Uncertain significance for Van der Woude syndrome 1; Orofacial cleft 6, susceptibility to; Autosomal dominant popliteal pterygium syndrome. Review status: criteria provided, single submitter. Criteria: ACMG Guidelines, 2015. Collection method: clinical testing. Allele origin: germline.
Comment: Absent from controls (or at extremely low frequency if recessive) in Genome Aggregation Database.;Missense variant in a gene that has a low rate of benign missense variation.

NM_006147.4(IRF6):c.211G>A (p.Val71Met)

Gene: IRF6 (interferon regulatory factor 6; minus strand). Cytogenetic location: 1q32.2.
Variant type: single nucleotide variant.
Coding change: c.211G>A on transcript NM_006147.4 (MANE Select); coding-DNA position 211, G replaced by A.
Protein change: p.Val71Met; replaces valine 71 with methionine.
Molecular consequence: missense variant. On other transcripts: 5 prime UTR variant (1).
Genome position (GRCh38, 1-based): chr1:209,796,516, C>T on the plus strand (G>A on the coding strand, the complement: IRF6 is on the minus strand). VCF-style: chr1-209796516-C-T. GRCh37 (hg19) VCF-style: chr1-209969861-C-T.
Other names: c.-75G>A (NM_001206696.2); short protein forms V71M.
Identifiers: ClinVar variation 5005651 (VCV005005651.2).